The following is an entry in ClinVar:

ClinVar aggregate classification (germline): Pathogenic (1 of 4 stars; one submission).

Conditions:
Jeune thoracic dystrophy. Also called: Jeune syndrome; Infantile thoracic dystrophy; Thoracic pelvic phalangeal dystrophy; Jeune's syndrome; Chondroectodermal dysplasia-like syndrome; Short-rib thoracic dysplasia. Identifiers: Orphanet 474, MedGen C0265275, MONDO:0018770.

Submission:

Labcorp Genetics (formerly Invitae), Labcorp
Classification: Pathogenic for Jeune thoracic dystrophy. Last evaluated: 2024-03-19. Review status: criteria provided, single submitter. Criteria: Invitae Variant Classification Sherloc (09022015). Collection method: clinical testing. Allele origin: germline.
Comment: This sequence change creates a premature translational stop signal (p.Gln619Trpfs*12) in the DYNC2H1 gene. It is expected to result in an absent or disrupted protein product. Loss-of-function variants in DYNC2H1 are known to be pathogenic (PMID: 23339108, 32753734, 33755199). This variant is not present in population databases (gnomAD no frequency). This variant has not been reported in the literature in individuals affected with DYNC2H1-related conditions. For these reasons, this variant has been classified as Pathogenic.

Literature cited by the submitters: PubMed 23339108; PubMed 32753734; PubMed 33755199.

NM_001377.3(DYNC2H1):c.1854_1857del (p.Gln619fs)

Gene: DYNC2H1 (dynein cytoplasmic 2 heavy chain 1; plus strand). Cytogenetic location: 11q22.3.
Variant type: Deletion.
Coding change: c.1854_1857del on transcript NM_001377.3 (MANE Select); coding-DNA positions 1854 to 1857, 4 bases deleted (ACAA; older notation c.1854_1857delACAA).
Protein change: p.Gln619fs; shifts the reading frame from glutamine 619.
Molecular consequence: frameshift variant.
Genome position (GRCh38, 1-based): chr11:103,125,292-103,125,295, ACAA deleted; deleting any 4 consecutive bases within chr11:103,125,290-103,125,295 gives the same sequence; the c. name uses the placement nearest the transcript's 3' end. VCF-style (leftmost placement, unchanged base first): chr11-103125289-TAAAC-T. GRCh37 (hg19) VCF-style: chr11-102996018-TAAAC-T.
Other names: c.1854_1857del, p.Gln619fs (NM_001080463.2); short protein forms Q619fs.
Identifiers: ClinVar variation 3690593 (VCV003690593.2).